The following is an entry in ClinVar:

ClinVar aggregate classification (germline): Pathogenic (1 of 4 stars; one submission).

Submission:

GeneDx
Classification: Pathogenic. Last evaluated: 2017-06-28. Review status: criteria provided, single submitter. Criteria: GeneDx Variant Classification (06012015). Collection method: clinical testing. Allele origin: germline. Affected: yes.
Comment: The E502K variant in the SMC1A gene has not been reported previously as a pathogenic variant nor as a benign variant, to our knowledge. The E502K variant is not observed in large population cohorts (Lek et al., 2016; 1000 Genomes Consortium et al., 2015; Exome Variant Server). The E502K variant is a non-conservative amino acid substitution, which is likely to impact secondary protein structure as these residues differ in polarity, charge, size and/or other properties. This substitution occurs at a position that is conserved across species, and in silico analysis predicts this variant is probably damaging to the protein structure/function. We interpret E502K as a pathogenic variant.

NM_006306.4(SMC1A):c.1504G>A (p.Glu502Lys)

Gene: SMC1A (structural maintenance of chromosomes 1A; minus strand). Cytogenetic location: Xp11.22.
Variant type: single nucleotide variant.
Coding change: c.1504G>A on transcript NM_006306.4 (MANE Select); coding-DNA position 1504, G replaced by A.
Protein change: p.Glu502Lys; replaces glutamic acid 502 with lysine.
Molecular consequence: missense variant.
Genome position (GRCh38, 1-based): chrX:53,409,103, C>T on the plus strand (G>A on the coding strand, the complement: SMC1A is on the minus strand). VCF-style: chrX-53409103-C-T. GRCh37 (hg19) VCF-style: chrX-53436034-C-T.
Other names: c.1438G>A, p.Glu480Lys (NM_001281463.1); short protein forms E480K, E502K.
Identifiers: ClinVar variation 384752 (VCV000384752.2), dbSNP rs1057522040, ClinGen allele CA16608533.